The following is an entry in ClinVar:

ClinVar aggregate classification (germline): Uncertain significance (1 of 4 stars; one submission).

Allele frequency attached by ClinVar (database versions not stated): gnomAD 0.00001; TOPMed 0.00001.
gnomAD v4.1: 9 of 1,613,956 alleles (0.00056%); highest among the groups gnomAD compares: South Asian, 0.0011%; no homozygotes.

Submission:

Labcorp Genetics (formerly Invitae), Labcorp
Classification: Uncertain significance. Last evaluated: 2022-03-17. Review status: criteria provided, single submitter. Criteria: Invitae Variant Classification Sherloc (09022015). Collection method: clinical testing. Allele origin: germline.
Comment: This variant has not been reported in the literature in individuals affected with C9-related conditions. In summary, the available evidence is currently insufficient to determine the role of this variant in disease. Therefore, it has been classified as a Variant of Uncertain Significance. Algorithms developed to predict the effect of missense changes on protein structure and function are either unavailable or do not agree on the potential impact of this missense change (SIFT: "Not Available"; PolyPhen-2: "Probably Damaging"; Align-GVGD: "Not Available"). This variant is present in population databases (no rsID available, gnomAD 0.003%). This sequence change replaces cysteine, which is neutral and slightly polar, with glycine, which is neutral and non-polar, at codon 107 of the C9 protein (p.Cys107Gly).

NM_001737.5(C9):c.319T>G (p.Cys107Gly)

Gene: C9 (complement C9; minus strand). Cytogenetic location: 5p13.1.
Variant type: single nucleotide variant.
Coding change: c.319T>G on transcript NM_001737.5 (MANE Select); coding-DNA position 319, T replaced by G.
Protein change: p.Cys107Gly; replaces cysteine 107 with glycine.
Molecular consequence: missense variant.
Genome position (GRCh38, 1-based): chr5:39,341,565, A>C on the plus strand (T>G on the coding strand, the complement: C9 is on the minus strand). VCF-style: chr5-39341565-A-C. GRCh37 (hg19) VCF-style: chr5-39341667-A-C.
Other names: short protein forms C107G.
Identifiers: ClinVar variation 1928615 (VCV001928615.3), dbSNP rs1437318634, ClinGen allele CA359563311.
Genomic context (GRCh38, chr5:39,341,565, plus strand): 5'-TCAGGAAGGCACACAGAAAGCCACAATGAGCAATTCAAGCACAAAGATTACCTGTACTGC[A>C]TTGAAAGTCATTTCCGCAGTCATCCTCAGCATCCTCACAGGGCTCTGTGGGCACACACTG-3'
Protein context (NP_001728.1, residues 97-117): AEDDCGNDFQ[Cys107Gly]STGRCIKMRL